The following is an entry in ClinVar:

NM_015205.3(ATP11A):c.2205G>T (p.Leu735=)

Gene: ATP11A (ATPase phospholipid transporting 11A; plus strand). Cytogenetic location: 13q34.
Variant type: single nucleotide variant.
Coding change: c.2205G>T on transcript NM_015205.3 (MANE Select); coding-DNA position 2205, G replaced by T.
Protein change: p.Leu735=; no amino-acid change (leucine 735 retained).
Molecular consequence: synonymous variant.
Genome position (GRCh38, 1-based): chr13:112,854,492, G>T. VCF-style: chr13-112854492-G-T. GRCh37 (hg19) VCF-style: chr13-113508806-G-T.
Other names: c.2205G>T, p.Leu735= (NM_001405661.1, NM_001405662.1, NM_001405663.1 and 1 more transcripts).
Identifiers: ClinVar variation 4984616 (VCV004984616.1).

ClinVar aggregate classification (germline): Likely benign (1 of 4 stars; one submission).

Conditions:
ATP11A-related disorder. Also called: ATP11A-related condition.

gnomAD v4.1: 2 of 1,611,934 alleles (0.00012%); highest among the groups gnomAD compares: East Asian, 0.0045%; no homozygotes.

Submission:

PreventionGenetics, part of Exact Sciences
Classification: Likely benign for ATP11A-related condition. Last evaluated: 2026-07-06. Review status: criteria provided, single submitter. Criteria: ACMG Guidelines, 2015. Collection method: clinical testing. Allele origin: germline.
Comment: This variant is classified as likely benign based on ACMG/AMP sequence variant interpretation guidelines (Richards et al. 2015 PMID: 25741868, with internal and published modifications).